The following is an entry in ClinVar:

ClinVar aggregate classification (germline): Pathogenic. Review status: reviewed by expert panel (3 of 4 stars). 2 submissions from 2 submitters: Pathogenic (1). 1 of the submissions does not count toward it. Last evaluated 2024-08-28.

Conditions:
Hereditary thrombocytopenia and hematological cancer predisposition syndrome associated with RUNX1. Also called: Familial Platelet Disorder with Propensity to Acute Myelogenous Leukemia; Familial thrombocytopenia with propensity to acute myelogenous leukemia; PLATELET DISORDER, ASPIRIN-LIKE; RUNX1 Familial Platelet Disorder with Associated Myeloid Malignancies. Identifiers: Orphanet 71290, MedGen C1832388, MeSH C563324, MONDO:0100083, OMIM 601399.
Hereditary thrombocytopenia and hematologic cancer predisposition syndrome. Identifiers: Orphanet 71290, MedGen CN281654, MONDO:0011071.

Submissions (2):

ClinGen Myeloid Malignancy Variant Curation Expert Panel
Classification: Pathogenic for Hereditary thrombocytopenia and hematologic cancer predisposition syndrome. Last evaluated: 2024-08-28. Review status: reviewed by expert panel. Criteria: ClinGen MyeloMalig ACMG Specifications v2. Collection method: curation. Allele origin: germline. Inheritance: Autosomal dominant inheritance.
Comment: NM_001754.5(RUNX1):c.228dup (p.Ser77GlnfsTer?) is a frameshift variant which is predicted to undergo nonsense mediated decay in a gene in which loss-of-function is an established mechanism (frameshift (+) c.98-c.779 as per VCEP specifications) (PVS1). This variant is completely absent from all population databases with at least 20x coverage for RUNX1 (PM2_Supporting). This variant is a nonsense/frameshift variants that is downstream of c.98 (PM5_Supporting). In summary, this variant meets criteria to be classified as pathogenic. ACMG/AMP criteria applied, as specified by the Myeloid Malignancy Variant Curation Expert Panel for RUNX1: PM2_supporting, PM5_supporting, PVS1.

Labcorp Genetics (formerly Invitae), Labcorp
Classification: Pathogenic for Hereditary thrombocytopenia and hematological cancer predisposition syndrome associated with RUNX1. Last evaluated: 2023-09-01. Review status: criteria provided, single submitter. Criteria: Invitae Variant Classification Sherloc (09022015). Collection method: clinical testing. Allele origin: germline. Not counted in ClinVar's aggregate classification.
Comment: This sequence change creates a premature translational stop signal (p.Ser77Glnfs*61) in the RUNX1 gene. It is expected to result in an absent or disrupted protein product. Loss-of-function variants in RUNX1 are known to be pathogenic (PMID: 18723428, 24100448). This variant is not present in population databases (gnomAD no frequency). This variant has not been reported in the literature in individuals affected with RUNX1-related conditions. For these reasons, this variant has been classified as Pathogenic.

Literature cited by the submitters: PubMed 18723428 (cited by Labcorp Genetics (formerly Invitae), Labcorp); PubMed 24100448 (cited by Labcorp Genetics (formerly Invitae), Labcorp).

NM_001754.5(RUNX1):c.228dup (p.Ser77fs)

Gene: RUNX1 (RUNX family transcription factor 1; minus strand). Cytogenetic location: 21q22.12.
Variant type: Duplication.
Coding change: c.228dup on transcript NM_001754.5 (MANE Select); coding-DNA position 228, one base duplicated (C; older notation c.228dupC).
Protein change: p.Ser77fs; shifts the reading frame from serine 77.
Molecular consequence: frameshift variant.
Genome position (GRCh38, 1-based): chr21:34,886,966, G duplicated on the plus strand (C on the coding strand, the reverse complement: RUNX1 is on the minus strand). VCF-style (leftmost placement, unchanged base first): chr21-34886965-T-TG. GRCh37 (hg19) VCF-style: chr21-36259262-T-TG.
Other names: NM_001754.5(RUNX1):c.228dup; p.Ser77fs; c.147dup, p.Ser50fs (NM_001001890.3, NM_001122607.2); short protein forms S77fs, S50fs.
Identifiers: ClinVar variation 2757098 (VCV002757098.4), dbSNP rs2517485238, ClinGen allele CA2697547499.